The following is an entry in ClinVar:

ClinVar aggregate classification (germline): Uncertain significance (1 of 4 stars; one submission).

Conditions:
Succinyl-CoA acetoacetate transferase deficiency (SCOTD). Also called: 3-Oxoacid CoA Transferase Deficiency; KETOACIDOSIS DUE TO SCOT DEFICIENCY; Succinyl CoA:3-oxoacid CoA transferase deficiency; SCOT DEFICIENCY; SUCCINYL-CoA:3-KETOACID CoA-TRANSFERASE DEFICIENCY. Identifiers: Orphanet 832, MedGen C0342792, MONDO:0009492, OMIM 245050.

Allele frequency attached by ClinVar (database versions not stated): TOPMed 0.00001.
gnomAD v4.1: 1 of 1,610,168 alleles (0.000062%); no homozygotes.

Submission:

Labcorp Genetics (formerly Invitae), Labcorp
Classification: Uncertain significance for Succinyl-CoA acetoacetate transferase deficiency. Last evaluated: 2020-04-06. Review status: criteria provided, single submitter. Criteria: Invitae Variant Classification Sherloc (09022015). Collection method: clinical testing. Allele origin: germline.
Comment: This sequence change replaces methionine with valine at codon 515 of the OXCT1 protein (p.Met515Val). The methionine residue is weakly conserved and there is a small physicochemical difference between methionine and valine. In summary, the available evidence is currently insufficient to determine the role of this variant in disease. Therefore, it has been classified as a Variant of Uncertain Significance. Algorithms developed to predict the effect of sequence changes on RNA splicing suggest that this variant may create or strengthen a splice site, but this prediction has not been confirmed by published transcriptional studies. Algorithms developed to predict the effect of missense changes on protein structure and function are either unavailable or do not agree on the potential impact of this missense change (SIFT: "Deleterious"; PolyPhen-2: "Benign"; Align-GVGD: "Class C0"). This variant has been observed in individual(s) with clinical features of SCOT deficiency. This variant is not present in population databases (ExAC no frequency).

NM_000436.4(OXCT1):c.1543A>G (p.Met515Val)

Gene: OXCT1 (3-oxoacid CoA-transferase 1; minus strand). Cytogenetic location: 5p13.1.
Variant type: single nucleotide variant.
Coding change: c.1543A>G on transcript NM_000436.4 (MANE Select); coding-DNA position 1543, A replaced by G.
Protein change: p.Met515Val; replaces methionine 515 with valine.
Molecular consequence: missense variant. On other transcripts: non-coding transcript variant (1).
Genome position (GRCh38, 1-based): chr5:41,731,749, T>C on the plus strand (A>G on the coding strand, the complement: OXCT1 is on the minus strand). VCF-style: chr5-41731749-T-C. GRCh37 (hg19) VCF-style: chr5-41731851-T-C.
Other names: c.1564A>G, p.Met522Val (NM_001364299.2, NM_001364300.2); c.1537A>G, p.Met513Val (NM_001364301.2); c.1453A>G, p.Met485Val (NM_001364302.2); c.985A>G, p.Met329Val (NM_001364303.2); short protein forms M329V, M485V, M513V, M515V, M522V.
Identifiers: ClinVar variation 1055856 (VCV001055856.9), dbSNP rs1742641646, ClinGen allele CA359681328.